The following is an entry in ClinVar:

NM_052945.4(TNFRSF13C):c.191_192delinsTT (p.Gly64Val)

Genes: TNFRSF13C (TNF receptor superfamily member 13C; minus strand), LOC130067574 (ATAC-STARR-seq lymphoblastoid silent region 13813; plus strand). Cytogenetic location: 22q13.2.
Variant type: Indel.
Coding change: c.191_192delinsTT on transcript NM_052945.4 (MANE Select); coding-DNA positions 191 to 192, GC replaced by TT.
Protein change: p.Gly64Val; replaces glycine 64 with valine.
Molecular consequence: missense variant.
Genome position (GRCh38, 1-based): chr22:41,926,276-41,926,277, GC replaced by AA on the plus strand (GC replaced by TT on the coding strand, the reverse complement: TNFRSF13C is on the minus strand). VCF-style: chr22-41926276-GC-AA. GRCh37 (hg19) VCF-style: chr22-42322280-GC-AA.
Other names: c.191_192delGCinsTT (NM_052945.3); short protein forms G64V.
Identifiers: ClinVar variation 471473 (VCV000471473.13), dbSNP rs1556157858, ClinGen allele CA658658924.
Genomic context (GRCh38, chr22:41,926,276, plus strand): 5'-CAGCGCGGGGGCGCCAAAGAGCAGCCCGGGCAGGGGCAGCGCCGCCTCGCCGGCCCCCGC[GC>AA]CCACCGACTCCTGCGGCTGCAGCGCCGTCCTGGGCGCAGGGCTGCTGGCCCCGGCTGCTT-3'
Protein context (NP_443177.1, residues 54-74): RTALQPQESV[Gly64Val]AGAGEAALPL

ClinVar aggregate classification (germline): Benign/Likely benign. Review status: criteria provided, multiple submitters, no conflicts (2 of 4 stars). 2 submissions from 2 submitters: Benign (1); Likely benign (1). Last evaluated 2026-02-26.

Conditions:
Immunodeficiency, common variable, 4. Also called: ANTIBODY DEFICIENCY DUE TO BAFFR DEFECT. Identifiers: Orphanet 1572, Orphanet 696925, MedGen C3150739, MONDO:0013284, OMIM 613494.

Submissions (2):

Women's Health and Genetics/Laboratory Corporation of America, LabCorp
Classification: Likely benign. Last evaluated: 2026-02-26. Review status: criteria provided, single submitter. Criteria: LabCorp Variant Classification Summary - May 2015. Collection method: clinical testing. Allele origin: germline.
Comment: Variant summary: TNFRSF13C c.191_192delinsTT (p.Gly64Val) results in a non-conservative amino acid change in the encoded protein sequence. Algorithms developed to predict the effect of missense changes on protein structure and function are either unavailable or do not agree on the potential impact of this missense change. Consensus agreement among computation tools predict no significant impact on normal splicing. However, these predictions have yet to be confirmed by functional studies. The variant is a multinucleotide combination of 22-42322280-G-A and 22-42322281-C-A and was found at a frequency of 0.0025 in 121946 control chromosomes in the gnomAD database, including 18 homozygotes. The observed variant frequency exceeds the estimated maximal expected allele frequency for disease-causing variants in TNFRSF13C. c.191_192delinsTT has been observed in individuals affected with Immunodeficiency, common variable, 4 or related phenotypes without strong evidence for causality (e.g. Bisgin_2021, Grossi_2021, Warnatz_2009, Fekrvand_2025). These report(s) do not provide unequivocal conclusions about association of the variant with Immunodeficiency, common variable, 4. To our knowledge, no experimental evidence demonstrating an impact on protein function has been reported. The following publications have been ascertained in the context of this evaluation (PMID: 33859323, 41023781, 34573280, 19666484). ClinVar contains an entry for this variant (Variation ID: 471473). Based on the evidence outlined above, the variant was classified as likely benign.

Labcorp Genetics (formerly Invitae), Labcorp
Classification: Benign for Immunodeficiency, common variable, 4. Last evaluated: 2026-02-02. Review status: criteria provided, single submitter. Criteria: Invitae Variant Classification Sherloc (09022015). Collection method: clinical testing. Allele origin: germline.

Literature cited by the submitters: PubMed 34573280 (cited by Women's Health and Genetics/Laboratory Corporation of America, LabCorp); PubMed 33859323 (cited by Women's Health and Genetics/Laboratory Corporation of America, LabCorp); PubMed 41023781 (cited by Women's Health and Genetics/Laboratory Corporation of America, LabCorp); PubMed 19666484 (cited by Women's Health and Genetics/Laboratory Corporation of America, LabCorp).